The following is an entry in ClinVar:

NM_004364.5(CEBPA):c.689C>A (p.Thr230Lys)

Gene: CEBPA (CCAAT enhancer binding protein alpha; minus strand). Cytogenetic location: 19q13.11.
Variant type: single nucleotide variant.
Coding change: c.689C>A on transcript NM_004364.5 (MANE Select); coding-DNA position 689, C replaced by A.
Protein change: p.Thr230Lys; replaces threonine 230 with lysine.
Molecular consequence: missense variant.
Genome position (GRCh38, 1-based): chr19:33,301,726, G>T on the plus strand (C>A on the coding strand, the complement: CEBPA is on the minus strand). VCF-style: chr19-33301726-G-T. GRCh37 (hg19) VCF-style: chr19-33792632-G-T.
Other names: c.332C>A, p.Thr111Lys (NM_001285829.2); c.794C>A, p.Thr265Lys (NM_001287424.2); c.647C>A, p.Thr216Lys (NM_001287435.2); short protein forms T111K, T216K, T230K, T265K.
Identifiers: ClinVar variation 2578305 (VCV002578305.2), dbSNP rs1967173268, ClinGen allele CA405274412.

ClinVar aggregate classification (germline): Uncertain significance. Review status: criteria provided, multiple submitters, no conflicts (2 of 4 stars). 2 submissions from 2 submitters: Uncertain significance (2). Last evaluated 2026-06-28.

Conditions:
Inborn genetic diseases. Identifiers: MedGen C0950123, MeSH D030342.

Submissions (2):

Ambry Genetics
Classification: Uncertain significance for Inborn genetic diseases. Last evaluated: 2026-06-28. Review status: criteria provided, single submitter. Criteria: Ambry Variant Classification Scheme 2023. Collection method: clinical testing. Allele origin: germline.
Comment: The p.T230K variant (also known as c.689C>A), located in coding exon 1 of the CEBPA gene, results from a C to A substitution at nucleotide position 689. The threonine at codon 230 is replaced by lysine, an amino acid with similar properties. This amino acid position is conserved. In addition, this alteration is predicted to be tolerated by in silico analysis. Based on the available evidence, the clinical significance of this variant remains unclear.

GeneDx
Classification: Uncertain significance. Last evaluated: 2023-03-03. Review status: criteria provided, single submitter. Criteria: GeneDx Variant Classification Process June 2021. Collection method: clinical testing. Allele origin: germline. Affected: yes.
Comment: Not observed at significant frequency in large population cohorts (gnomAD); In silico analysis supports that this missense variant has a deleterious effect on protein structure/function; Has not been previously published as pathogenic or benign to our knowledge